The following is an entry in ClinVar:

ClinVar aggregate classification (germline): Uncertain significance (1 of 4 stars; one submission).

Allele frequency attached by ClinVar (database versions not stated): 1000 Genomes Project 30x 0.00031; 1000 Genomes Project 0.00040.
gnomAD v4.1: 78 of 1,613,968 alleles (0.0048%); highest among the groups gnomAD compares: Non-Finnish European, 0.0064%; no homozygotes.

Submission:

Labcorp Genetics (formerly Invitae), Labcorp
Classification: Uncertain significance. Last evaluated: 2025-04-01. Review status: criteria provided, single submitter. Criteria: Invitae Variant Classification Sherloc (09022015). Collection method: clinical testing. Allele origin: germline.
Comment: This sequence change replaces asparagine, which is neutral and polar, with isoleucine, which is neutral and non-polar, at codon 637 of the ZCCHC8 protein (p.Asn637Ile). This variant is present in population databases (rs184370017, gnomAD 0.003%). This variant has not been reported in the literature in individuals affected with ZCCHC8-related conditions. ClinVar contains an entry for this variant (Variation ID: 1345906). Invitae Evidence Modeling of protein sequence and biophysical properties (such as structural, functional, and spatial information, amino acid conservation, physicochemical variation, residue mobility, and thermodynamic stability) indicates that this missense variant is not expected to disrupt ZCCHC8 protein function with a negative predictive value of 80%. In summary, the available evidence is currently insufficient to determine the role of this variant in disease. Therefore, it has been classified as a Variant of Uncertain Significance.

NM_017612.5(ZCCHC8):c.1910A>T (p.Asn637Ile)

Gene: ZCCHC8 (zinc finger CCHC-type containing 8; minus strand). Cytogenetic location: 12q24.31.
Variant type: single nucleotide variant.
Coding change: c.1910A>T on transcript NM_017612.5 (MANE Select); coding-DNA position 1910, A replaced by T.
Protein change: p.Asn637Ile; replaces asparagine 637 with isoleucine.
Molecular consequence: missense variant.
Genome position (GRCh38, 1-based): chr12:122,473,711, T>A on the plus strand (A>T on the coding strand, the complement: ZCCHC8 is on the minus strand). VCF-style: chr12-122473711-T-A. GRCh37 (hg19) VCF-style: chr12-122958258-T-A.
Other names: c.1679A>T, p.Asn560Ile (NM_001350935.2); c.1613A>T, p.Asn538Ile (NM_001350936.2); c.1196A>T, p.Asn399Ile (NM_001350937.2, NM_001350938.2); short protein forms N637I, N538I, N560I, N399I.
Identifiers: ClinVar variation 1345906 (VCV001345906.8), dbSNP rs184370017, ClinGen allele CA6846075.
Genomic context (GRCh38, chr12:122,473,711, plus strand): 5'-TGAATTTTAGTGGCCGTTGAAGGACTGGTGTCTGCAGGAAAGAGCTTCTGGCTGCCCCCA[T>A]TGCTGATGTCACAGTTTGGTACGACACTGCCATTATCAAGAAGGGCACCTTCAGTGTTTA-3'
Protein context (NP_060082.2, residues 627-647): GSVVPNCDIS[Asn637Ile]GGSQKLFPAD